The following is an entry in ClinVar:

NM_015341.5(NCAPH):c.830C>T (p.Pro277Leu)

Gene: NCAPH (non-SMC condensin I complex subunit H; plus strand). Cytogenetic location: 2q11.2.
Variant type: single nucleotide variant.
Coding change: c.830C>T on transcript NM_015341.5 (MANE Select); coding-DNA position 830, C replaced by T.
Protein change: p.Pro277Leu; replaces proline 277 with leucine.
Molecular consequence: missense variant.
Genome position (GRCh38, 1-based): chr2:96,351,940, C>T. VCF-style: chr2-96351940-C-T. GRCh37 (hg19) VCF-style: chr2-97017678-C-T.
Other names: c.797C>T, p.Pro266Leu (NM_001281710.2); c.758C>T, p.Pro253Leu (NM_001281711.2); c.422C>T, p.Pro141Leu (NM_001281712.2); short protein forms P141L, P253L, P266L, P277L.
Identifiers: ClinVar variation 3250535 (VCV003250535.18), dbSNP rs146970496.

ClinVar aggregate classification (germline): Likely benign (1 of 4 stars; one submission).

Allele frequency attached by ClinVar (database versions not stated): 1000 Genomes Project 0.00080; ExAC 0.00085; 1000 Genomes Project 30x 0.00094; gnomAD 0.00115; TOPMed 0.00131; ESP Exome Variant Server 0.00161; gnomAD exomes 0.00177.
gnomAD v4.1: 2,784 of 1,614,128 alleles (0.17%); highest among the groups gnomAD compares: Non-Finnish European, 0.21%; 5 homozygotes.

Submission:

CeGaT Center for Human Genetics Tuebingen
Classification: Likely benign. Last evaluated: 2024-06-01. Review status: criteria provided, single submitter. Criteria: CeGaT Center For Human Genetics Tuebingen Variant Classification Criteria Version 2. Collection method: clinical testing. Allele origin: germline. Affected: yes. Observed: 1 variant allele.
Comment: NCAPH: BP4